The following is an entry in ClinVar:

NM_001852.4(COL9A2):c.832G>A (p.Glu278Lys)

Gene: COL9A2 (collagen type IX alpha 2 chain; minus strand). Cytogenetic location: 1p34.2.
Variant type: single nucleotide variant.
Coding change: c.832G>A on transcript NM_001852.4 (MANE Select); coding-DNA position 832, G replaced by A.
Protein change: p.Glu278Lys; replaces glutamic acid 278 with lysine.
Molecular consequence: missense variant.
Genome position (GRCh38, 1-based): chr1:40,309,952, C>T on the plus strand (G>A on the coding strand, the complement: COL9A2 is on the minus strand). VCF-style: chr1-40309952-C-T. GRCh37 (hg19) VCF-style: chr1-40775624-C-T.
Other names: c.832G>A (NM_001852.3); short protein forms E278K.
Identifiers: ClinVar variation 3013366 (VCV003013366.4), dbSNP rs561050736, ClinGen allele CA791726.

ClinVar aggregate classification (germline): Uncertain significance. Review status: criteria provided, multiple submitters, no conflicts (2 of 4 stars). 2 submissions from 2 submitters: Uncertain significance (2). Last evaluated 2025-09-08.

Conditions:
Inborn genetic diseases. Identifiers: MedGen C0950123, MeSH D030342.

Allele frequency attached by ClinVar (database versions not stated): ExAC 0.00002; 1000 Genomes Project 30x 0.00016; 1000 Genomes Project 0.00020; gnomAD exomes 0.00001; gnomAD 0.00003; TOPMed 0.00001.
gnomAD v4.1: 14 of 1,613,948 alleles (0.00087%); highest among the groups gnomAD compares: African/African-American, 0.0067%; no homozygotes.

Submissions (2):

Labcorp Genetics (formerly Invitae), Labcorp
Classification: Uncertain significance. Last evaluated: 2025-09-08. Review status: criteria provided, single submitter. Criteria: Invitae Variant Classification Sherloc (09022015). Collection method: clinical testing. Allele origin: germline.
Comment: This sequence change replaces glutamic acid, which is acidic and polar, with lysine, which is basic and polar, at codon 278 of the COL9A2 protein (p.Glu278Lys). This variant is present in population databases (rs561050736, gnomAD 0.01%). This variant has not been reported in the literature in individuals affected with COL9A2-related conditions. ClinVar contains an entry for this variant (Variation ID: 3013366). Invitae Evidence Modeling of protein sequence and biophysical properties (such as structural, functional, and spatial information, amino acid conservation, physicochemical variation, residue mobility, and thermodynamic stability) indicates that this missense variant is not expected to disrupt COL9A2 protein function with a negative predictive value of 95%. In summary, the available evidence is currently insufficient to determine the role of this variant in disease. Therefore, it has been classified as a Variant of Uncertain Significance.

Ambry Genetics
Classification: Uncertain significance for Inborn genetic diseases. Last evaluated: 2024-06-25. Review status: criteria provided, single submitter. Criteria: Ambry Variant Classification Scheme 2023. Collection method: clinical testing. Allele origin: germline.